The following is an entry in ClinVar:

NM_001035.3(RYR2):c.10987C>T (p.Pro3663Ser)

Gene: RYR2 (ryanodine receptor 2; plus strand). Cytogenetic location: 1q43.
Variant type: single nucleotide variant.
Coding change: c.10987C>T on transcript NM_001035.3 (MANE Select); coding-DNA position 10987, C replaced by T.
Protein change: p.Pro3663Ser; replaces proline 3663 with serine.
Molecular consequence: missense variant.
Genome position (GRCh38, 1-based): chr1:237,732,097, C>T. VCF-style: chr1-237732097-C-T. GRCh37 (hg19) VCF-style: chr1-237895397-C-T.
Other names: short protein forms P3663S.
Identifiers: ClinVar variation 1693203 (VCV001693203.6), dbSNP rs1299197961, ClinGen allele CA345419018.

ClinVar aggregate classification (germline): Uncertain significance. Review status: criteria provided, multiple submitters, no conflicts (2 of 4 stars). 2 submissions from 2 submitters: Uncertain significance (2). Last evaluated 2022-10-07.

Conditions:
Arrhythmogenic right ventricular cardiomyopathy (ARVD). Also called: Cardiomyopathy, ARVC; Arrhythmogenic right ventricular dysplasia; Arrhythmogenic cardiomyopathy; Arrhythmogenic Right Ventricular Cardiomyopathy (ARVC). Identifiers: Orphanet 247, MedGen C0349788, MeSH D019571, MONDO:0016587. Disease mechanism: loss of function. Inheritance: Various modes of inheritance.
Catecholaminergic polymorphic ventricular tachycardia 1. Also called: VENTRICULAR TACHYCARDIA, CATECHOLAMINERGIC POLYMORPHIC, 1, WITH OR WITHOUT ATRIAL DYSFUNCTION AND/OR DILATED CARDIOMYOPATHY; RYR2-Related Catecholaminergic Polymorphic Ventricular Tachycardia; VENTRICULAR TACHYCARDIA, STRESS-INDUCED POLYMORPHIC 1. Identifiers: Orphanet 3286, MedGen C1631597, MONDO:0011484, OMIM 604772.

Allele frequency attached by ClinVar (database versions not stated): gnomAD exomes below 0.00001; TOPMed below 0.00001; gnomAD 0.00001.
gnomAD v4.1: 3 of 1,611,598 alleles (0.00019%); highest among the groups gnomAD compares: Non-Finnish European, 0.00025%; no homozygotes.

Submissions (2):

Labcorp Genetics (formerly Invitae), Labcorp
Classification: Uncertain significance for Catecholaminergic polymorphic ventricular tachycardia 1. Last evaluated: 2022-10-07. Review status: criteria provided, single submitter. Criteria: Invitae Variant Classification Sherloc (09022015). Collection method: clinical testing. Allele origin: germline.
Comment: This sequence change replaces proline, which is neutral and non-polar, with serine, which is neutral and polar, at codon 3663 of the RYR2 protein (p.Pro3663Ser). This variant is not present in population databases (gnomAD no frequency). This variant has not been reported in the literature in individuals affected with RYR2-related conditions. ClinVar contains an entry for this variant (Variation ID: 1693203). Advanced modeling of protein sequence and biophysical properties (such as structural, functional, and spatial information, amino acid conservation, physicochemical variation, residue mobility, and thermodynamic stability) performed at Invitae indicates that this missense variant is expected to disrupt RYR2 protein function. In summary, the available evidence is currently insufficient to determine the role of this variant in disease. Therefore, it has been classified as a Variant of Uncertain Significance.

Molecular Genetics Laboratory - Cardiogenetics, CHU de Nantes
Classification: Uncertain significance for Arrhythmogenic right ventricular cardiomyopathy. Last evaluated: 2022-06-01. Review status: criteria provided, single submitter. Criteria: ACMG Guidelines, 2015. Collection method: curation. Allele origin: germline. Affected: yes.